The following is an entry in ClinVar:

ClinVar aggregate classification (germline): Pathogenic (1 of 4 stars; one submission).

Submission:

Labcorp Genetics (formerly Invitae), Labcorp
Classification: Pathogenic. Last evaluated: 2022-07-05. Review status: criteria provided, single submitter. Criteria: Invitae Variant Classification Sherloc (09022015). Collection method: clinical testing. Allele origin: germline.
Comment: This sequence change creates a premature translational stop signal (p.Ser223Phefs*30) in the TLE6 gene. It is expected to result in an absent or disrupted protein product. Loss-of-function variants in TLE6 are known to be pathogenic (PMID: 26537248, 29606347, 32172300). This variant is present in population databases (rs765448750, gnomAD 0.0009%). This variant has not been reported in the literature in individuals affected with TLE6-related conditions. For these reasons, this variant has been classified as Pathogenic.

Literature cited by the submitters: PubMed 26537248; PubMed 29606347; PubMed 32172300.

NM_001143986.2(TLE6):c.665dup (p.Ser223fs)

Gene: TLE6 (TLE family member 6, subcortical maternal complex member; plus strand). Cytogenetic location: 19p13.3.
Variant type: Duplication.
Coding change: c.665dup on transcript NM_001143986.2 (MANE Select); coding-DNA position 665, one base duplicated (G; older notation c.665dupG).
Protein change: p.Ser223fs; shifts the reading frame from serine 223.
Molecular consequence: frameshift variant.
Genome position (GRCh38, 1-based): chr19:2,987,937, G duplicated; the last of 3 consecutive G bases (chr19:2,987,935-2,987,937); duplicating any one gives the same sequence. VCF-style (leftmost placement, unchanged base first): chr19-2987934-A-AG. GRCh37 (hg19) VCF-style: chr19-2987932-A-AG.
Other names: c.296dup, p.Ser100fs (NM_024760.3); short protein forms S223fs, S100fs.
Identifiers: ClinVar variation 2160860 (VCV002160860.1), dbSNP rs765448750, ClinGen allele CA9072768.